The following is an entry in ClinVar:

NM_001199107.2(TBC1D24):c.1049T>C (p.Met350Thr)

Gene: TBC1D24 (TBC1 domain family member 24; plus strand). Cytogenetic location: 16p13.3.
Variant type: single nucleotide variant.
Coding change: c.1049T>C on transcript NM_001199107.2 (MANE Select); coding-DNA position 1049, T replaced by C.
Protein change: p.Met350Thr; replaces methionine 350 with threonine.
Molecular consequence: missense variant.
Genome position (GRCh38, 1-based): chr16:2,498,303, T>C. VCF-style: chr16-2498303-T-C. GRCh37 (hg19) VCF-style: chr16-2548304-T-C.
Other names: c.1031T>C, p.Met344Thr (NM_020705.3); short protein forms M350T, M344T.
Identifiers: ClinVar variation 541315 (VCV000541315.9), dbSNP rs1475264921, ClinGen allele CA394378661.

ClinVar aggregate classification (germline): Uncertain significance (1 of 4 stars; one submission).

Conditions:
Autosomal dominant nonsyndromic hearing loss 65. Also called: Deafness, autosomal dominant 65; TBC1D24-Related Autosomal Dominant Nonsyndromic Hearing Loss (DFNA). Identifiers: Orphanet 90635, MedGen C3892048, MONDO:0014470, OMIM 616044.
Developmental and epileptic encephalopathy, 1 (DEE1). Also called: Epileptic encephalopathy, early infantile, 1; X-linked infantile spasms; West's syndrome; Tonic spasms with clustering, arrest of psychomotor development and hypsarrhythmia on EEG; X-Linked Infantile Spasm Syndrome; OHTAHARA SYNDROME, X-LINKED. Identifiers: MedGen C3463992, MONDO:0010632, OMIM 308350. Disease mechanism: loss of function.

Allele frequency attached by ClinVar (database versions not stated): gnomAD 0.00003 and 0.00002; gnomAD exomes below 0.00001; TOPMed 0.00002.
gnomAD v4.1: 5 of 1,610,430 alleles (0.00031%); highest among the groups gnomAD compares: African/African-American, 0.0053%; no homozygotes.

Submission:

Labcorp Genetics (formerly Invitae), Labcorp
Classification: Uncertain significance for Developmental and epileptic encephalopathy, 1; Autosomal dominant nonsyndromic hearing loss 65. Last evaluated: 2022-12-06. Review status: criteria provided, single submitter. Criteria: Invitae Variant Classification Sherloc (09022015). Collection method: clinical testing. Allele origin: germline.
Comment: This variant is present in population databases (no rsID available, gnomAD 0.02%). In summary, the available evidence is currently insufficient to determine the role of this variant in disease. Therefore, it has been classified as a Variant of Uncertain Significance. Advanced modeling of protein sequence and biophysical properties (such as structural, functional, and spatial information, amino acid conservation, physicochemical variation, residue mobility, and thermodynamic stability) performed at Invitae indicates that this missense variant is expected to disrupt TBC1D24 protein function. ClinVar contains an entry for this variant (Variation ID: 541315). This variant has not been reported in the literature in individuals affected with TBC1D24-related conditions. This sequence change replaces methionine, which is neutral and non-polar, with threonine, which is neutral and polar, at codon 350 of the TBC1D24 protein (p.Met350Thr).